The following is an entry in ClinVar:

NM_175914.5(HNF4A):c.50-4758A>G

Gene: HNF4A (hepatocyte nuclear factor 4 alpha; plus strand). Cytogenetic location: 20q13.12.
Variant type: single nucleotide variant.
Coding change: c.50-4758A>G on transcript NM_175914.5 (MANE Select); 4758 bases into the intron before coding-DNA position 50, A replaced by G.
Molecular consequence: intron variant. On other transcripts: 5 prime UTR variant (4).
Genome position (GRCh38, 1-based): chr20:44,401,300, A>G. VCF-style: chr20-44401300-A-G. GRCh37 (hg19) VCF-style: chr20-43029940-A-G.
Other names: c.-73A>G (NM_000457.6, NM_178849.3, NM_178850.3); c.-185A>G (NM_001258355.2); c.41-4758A>G (NM_001287182.2, NM_001287183.2, NM_001287184.2); c.50-4758A>G (NM_001030003.3, NM_001030004.3).
Identifiers: ClinVar variation 3050992 (VCV003050992.2), dbSNP rs946477017, ClinGen allele CA315400163.

ClinVar aggregate classification (germline): Likely benign (0 of 4 stars; one submission).

Conditions:
HNF4A-related disorder. Also called: HNF4A-related condition.

Submission:

PreventionGenetics, part of Exact Sciences
Classification: Likely benign for HNF4A-related condition. Last evaluated: 2020-03-10. Review status: no assertion criteria provided. Collection method: clinical testing. Allele origin: germline.
Comment: This variant is classified as likely benign based on ACMG/AMP sequence variant interpretation guidelines (Richards et al. 2015 PMID: 25741868, with internal and published modifications).